The following is an entry in ClinVar:

ClinVar aggregate classification (germline): Uncertain significance. Review status: criteria provided, multiple submitters, no conflicts (2 of 4 stars). 2 submissions from 2 submitters: Uncertain significance (2). Last evaluated 2024-05-28.

Allele frequency attached by ClinVar (database versions not stated): gnomAD exomes 0.00004; ExAC 0.00006.
gnomAD v4.1: 54 of 1,614,034 alleles (0.0033%); highest among the groups gnomAD compares: South Asian, 0.059%; 1 homozygote.

Submissions (2):

Ambry Genetics
Classification: Uncertain significance. Last evaluated: 2024-05-28. Review status: criteria provided, single submitter. Criteria: Ambry Variant Classification Scheme 2023. Collection method: clinical testing. Allele origin: germline.

Labcorp Genetics (formerly Invitae), Labcorp
Classification: Uncertain significance. Last evaluated: 2022-07-17. Review status: criteria provided, single submitter. Criteria: Invitae Variant Classification Sherloc (09022015). Collection method: clinical testing. Allele origin: germline.
Comment: In summary, the available evidence is currently insufficient to determine the role of this variant in disease. Therefore, it has been classified as a Variant of Uncertain Significance. Algorithms developed to predict the effect of missense changes on protein structure and function are either unavailable or do not agree on the potential impact of this missense change (SIFT: "Tolerated"; PolyPhen-2: "Possibly Damaging"; Align-GVGD: "Class C0"). This variant has not been reported in the literature in individuals affected with IL23R-related conditions. This variant is present in population databases (rs769458559, gnomAD 0.04%). This sequence change replaces glutamine, which is neutral and polar, with lysine, which is basic and polar, at codon 564 of the IL23R protein (p.Gln564Lys).

NM_144701.3(IL23R):c.1690C>A (p.Gln564Lys)

Gene: IL23R (interleukin 23 receptor; plus strand). Cytogenetic location: 1p31.3.
Variant type: single nucleotide variant.
Coding change: c.1690C>A on transcript NM_144701.3 (MANE Select); coding-DNA position 1690, C replaced by A.
Protein change: p.Gln564Lys; replaces glutamine 564 with lysine.
Molecular consequence: missense variant.
Genome position (GRCh38, 1-based): chr1:67,258,928, C>A. VCF-style: chr1-67258928-C-A. GRCh37 (hg19) VCF-style: chr1-67724611-C-A.
Other names: c.1690C>A (NM_144701.2); short protein forms Q564K.
Identifiers: ClinVar variation 1901550 (VCV001901550.6), dbSNP rs769458559, ClinGen allele CA900047.
Genomic context (GRCh38, chr1:67,258,928, plus strand): 5'-ATATTTCTTGGAGAATTAAGCCTCATATTAAATCAAGGAGAATGCAGTTCTCCTGACATA[C>A]AAAACTCAGTAGAGGAGGAAACCACCATGCTTTTGGAAAATGATTCACCCAGTGAAACTA-3'
Protein context (NP_653302.2, residues 554-574): NQGECSSPDI[Gln564Lys]NSVEEETTML